The following is an entry in ClinVar:

NM_139125.4(MASP1):c.871A>C (p.Arg291=)

Gene: MASP1 (MBL associated serine protease 1; minus strand). Cytogenetic location: 3q27.3.
Variant type: single nucleotide variant.
Coding change: c.871A>C on transcript NM_139125.4 (MANE Select); coding-DNA position 871, A replaced by C.
Protein change: p.Arg291=; no amino-acid change (arginine 291 retained).
Molecular consequence: synonymous variant. On other transcripts: non-coding transcript variant (1).
Genome position (GRCh38, 1-based): chr3:187,253,189, T>G on the plus strand (A>C on the coding strand, the complement: MASP1 is on the minus strand). VCF-style: chr3-187253189-T-G. GRCh37 (hg19) VCF-style: chr3-186970977-T-G.
Other names: c.871A>C, p.Arg291= (NM_001031849.3, NM_001879.6).
Identifiers: ClinVar variation 3031915 (VCV003031915.3), dbSNP rs199736644, ClinGen allele CA2749493.

ClinVar aggregate classification (germline): Benign. Review status: criteria provided, single submitter (1 of 4 stars). 2 submissions from 2 submitters: Benign (1). 1 of the submissions does not count toward it. Last evaluated 2025-12-01.

Conditions:
MASP1-related disorder. Also called: MASP1-related condition.
3MC syndrome 1. Also called: CRANIOSYNOSTOSIS WITH LID ANOMALIES; OCULOPALATOSKELETAL SYNDROME; MICHELS SYNDROME. Identifiers: Orphanet 293843, MedGen C0796059, MONDO:0009770, OMIM 257920.

Allele frequency attached by ClinVar (database versions not stated): gnomAD 0.00007; gnomAD exomes 0.00009; TOPMed 0.00012; ExAC 0.00021; 1000 Genomes Project 30x 0.00031; 1000 Genomes Project 0.00040.
gnomAD v4.1: 135 of 1,614,088 alleles (0.0084%); highest among the groups gnomAD compares: East Asian, 0.29%; no homozygotes.

Submissions (2):

Labcorp Genetics (formerly Invitae), Labcorp
Classification: Benign for 3MC syndrome 1. Last evaluated: 2025-12-01. Review status: criteria provided, single submitter. Criteria: Invitae Variant Classification Sherloc (09022015). Collection method: clinical testing. Allele origin: germline.

PreventionGenetics, part of Exact Sciences
Classification: Likely benign for MASP1-related condition. Last evaluated: 2024-06-06. Review status: no assertion criteria provided. Collection method: clinical testing. Allele origin: germline. Not counted in ClinVar's aggregate classification.
Comment: This variant is classified as likely benign based on ACMG/AMP sequence variant interpretation guidelines (Richards et al. 2015 PMID: 25741868, with internal and published modifications).